The following is an entry in ClinVar:

ClinVar aggregate classification (germline): Conflicting classifications of pathogenicity. Review status: criteria provided, conflicting classifications (1 of 4 stars). 11 submissions from 11 submitters: Uncertain significance (1); Benign (4); Likely benign (6). Last evaluated 2026-08-01.

Conditions:
Hereditary cancer-predisposing syndrome. Also called: Hereditary neoplastic syndrome; Hereditary Cancer Syndrome; Neoplastic Syndromes, Hereditary; Tumor predisposition. Identifiers: Orphanet 140162, MedGen C0027672, MeSH D009386, MONDO:0015356.
Neurofibromatosis, type 2 (SWNV). Also called: SCHWANNOMATOSIS, VESTIBULAR; NF2-Related Schwannomatosis; BILATERAL ACOUSTIC NEUROFIBROMATOSIS. Identifiers: Orphanet 637, MedGen C0027832, MONDO:0007039, OMIM 101000. Disease mechanism: loss of function.

Allele frequency attached by ClinVar (database versions not stated): gnomAD exomes 0.00026 and 0.00035; gnomAD 0.00027 and 0.00029; TOPMed 0.00029; ExAC 0.00056; ESP Exome Variant Server 0.00062.
gnomAD v4.1: 434 of 1,601,844 alleles (0.027%); highest among the groups gnomAD compares: Middle Eastern, 0.33%; no homozygotes.

Submissions (11):

CeGaT Center for Human Genetics Tuebingen
Classification: Likely benign. Last evaluated: 2026-08-01. Review status: criteria provided, single submitter. Criteria: CeGaT Center For Human Genetics Tuebingen Variant Classification Criteria Version 2. Collection method: clinical testing. Allele origin: germline. Affected: yes. Observed: 29 variant alleles.
Comment: NF2: BP4

Labcorp Genetics (formerly Invitae), Labcorp
Classification: Benign for Neurofibromatosis, type 2. Last evaluated: 2026-01-31. Review status: criteria provided, single submitter. Criteria: Invitae Variant Classification Sherloc (09022015). Collection method: clinical testing. Allele origin: germline.

Department of Pathology and Laboratory Medicine, Sinai Health System
Classification: Likely benign for neurofibromatosis type 2. Last evaluated: 2024-10-28. Review status: criteria provided, single submitter. Criteria: ACMG Guidelines, 2015. Collection method: clinical testing. Allele origin: germline. Affected: yes.

Blueprint Genetics
Classification: Likely benign. Last evaluated: 2024-10-15. Review status: criteria provided, single submitter. Criteria: ACMG Guidelines, 2015. Collection method: clinical testing. Allele origin: germline.

KCCC/NGS Laboratory, Kuwait Cancer Control Center
Classification: Benign for Neurofibromatosis, type 2. Last evaluated: 2023-07-07. Review status: criteria provided, single submitter. Criteria: ACMG Guidelines, 2015. Collection method: clinical testing. Allele origin: germline. Affected: yes.

Women's Health and Genetics/Laboratory Corporation of America, LabCorp
Classification: Benign. Last evaluated: 2022-02-22. Review status: criteria provided, single submitter. Criteria: LabCorp Variant Classification Summary - May 2015. Collection method: clinical testing. Allele origin: germline.
Comment: Variant summary: NF2 c.1340+8G>T alters a conserved nucleotide located close to a canonical splice site and therefore could affect mRNA splicing, leading to a significantly altered protein sequence. 4/4 computational tools predict no significant impact on normal splicing. However, these predictions have yet to be confirmed by functional studies. The variant allele was found at a frequency of 0.00035 in 225846 control chromosomes, predominantly at a frequency of 0.00053 within the Non-Finnish European subpopulation in the gnomAD database. The observed variant frequency within Non-Finnish European control individuals in the gnomAD database is approximately 27 fold of the estimated maximal expected allele frequency for a pathogenic variant in NF2 causing Neurofibromatosis Type 2 phenotype (1.9e-05), strongly suggesting that the variant is a benign polymorphism found primarily in populations of Non-Finnish European origin. Six clinical diagnostic laboratories have submitted clinical-significance assessments for this variant to ClinVar after 2014 and classified the variant VUS (n=1), benign (n=1) and likely benign (n=4). Based on the evidence outlined above, the variant was classified as benign.

Genome-Nilou Lab
Classification: Likely benign for Neurofibromatosis, type 2. Last evaluated: 2021-11-07. Review status: criteria provided, single submitter. Criteria: ACMG Guidelines, 2015. Collection method: clinical testing. Allele origin: germline. Affected: no.

Institute for Clinical Genetics, University Hospital TU Dresden, University Hospital TU Dresden
Classification: Uncertain significance. Last evaluated: 2021-11-03. Review status: criteria provided, single submitter. Criteria: ACMG Guidelines, 2015. Collection method: clinical testing. Allele origin: germline.

Sema4
Classification: Benign for Hereditary cancer-predisposing syndrome. Last evaluated: 2021-05-18. Review status: criteria provided, single submitter. Criteria: Sema4 Curation Guidelines. Collection method: curation. Allele origin: germline.

Mendelics
Classification: Likely benign for Neurofibromatosis, type 2. Last evaluated: 2018-07-02. Review status: criteria provided, single submitter. Criteria: Mendelics Assertion Criteria 2017. Collection method: clinical testing. Allele origin: unknown.

GeneDx
Classification: Likely benign. Last evaluated: 2017-03-24. Review status: criteria provided, single submitter. Criteria: GeneDx Variant Classification (06012015). Collection method: clinical testing. Allele origin: germline. Affected: yes.
Comment: This variant is considered likely benign or benign based on one or more of the following criteria: it is a conservative change, it occurs at a poorly conserved position in the protein, it is predicted to be benign by multiple in silico algorithms, and/or has population frequency not consistent with disease.

NM_000268.4(NF2):c.1340+8G>T

Gene: NF2 (NF2, moesin-ezrin-radixin like (MERLIN) tumor suppressor; plus strand). Cytogenetic location: 22q12.2.
Variant type: single nucleotide variant.
Coding change: c.1340+8G>T on transcript NM_000268.4 (MANE Select); 8 bases into the intron after coding-DNA position 1340, G replaced by T.
Molecular consequence: intron variant.
Genome position (GRCh38, 1-based): chr22:29,673,494, G>T. VCF-style: chr22-29673494-G-T. GRCh37 (hg19) VCF-style: chr22-30069483-G-T.
Other names: c.1340+8G>T (NM_016418.5, NM_181832.3, NM_181825.3 and 1 more transcripts); c.448-21258G>T (NM_181833.3); c.1217+8G>T (NM_181829.3); c.1214+8G>T (NM_181828.3); c.1091+8G>T (NM_181830.3, NM_181831.3).
Identifiers: ClinVar variation 237617 (VCV000237617.64), dbSNP rs370604189, ClinGen allele CA029739.